The following is an entry in ClinVar:

NM_032496.4(ARHGAP9):c.604C>T (p.Arg202Trp)

Gene: ARHGAP9 (Rho GTPase activating protein 9; minus strand). Cytogenetic location: 12q13.3.
Variant type: single nucleotide variant.
Coding change: c.604C>T on transcript NM_032496.4 (MANE Select); coding-DNA position 604, C replaced by T.
Protein change: p.Arg202Trp; replaces arginine 202 with tryptophan.
Molecular consequence: missense variant. On other transcripts: 5 prime UTR variant (1).
Genome position (GRCh38, 1-based): chr12:57,477,611, G>A on the plus strand (C>T on the coding strand, the complement: ARHGAP9 is on the minus strand). VCF-style: chr12-57477611-G-A. GRCh37 (hg19) VCF-style: chr12-57871394-G-A.
Other names: c.52C>T, p.Arg18Trp (NM_001080156.3, NM_001319852.2, NM_001367422.1 and 4 more transcripts); c.604C>T, p.Arg202Trp (NM_001080157.2, NM_001319850.2); c.-606C>T (NM_001319851.2); short protein forms R18W, R202W.
Identifiers: ClinVar variation 4536771 (VCV004536771.1).
Genomic context (GRCh38, chr12:57,477,611, plus strand): 5'-GCTGCTCCCAGGCATCCAGCCTCTGCAGCAGGGGGCATGCAGGGCCTGGGGGTGGGGACC[G>A]AGGACAGCGGCGAAGGTCCACCAGGTTACAGTACACAGGGGGCTCTGACATGAGGGGCTG-3'
Protein context (NP_115885.2, residues 192-212): CNLVDLRRCP[Arg202Trp]SPPPGPACPL

ClinVar aggregate classification (germline): Uncertain significance (1 of 4 stars; one submission).

Submission:

Women's Health and Genetics/Laboratory Corporation of America, LabCorp
Classification: Uncertain significance. Last evaluated: 2025-11-12. Review status: criteria provided, single submitter. Criteria: LabCorp Variant Classification Summary - May 2015. Collection method: clinical testing. Allele origin: germline.
Comment: Variant summary: ARHGAP9 c.604C>T (p.Arg202Trp) results in a non-conservative amino acid change in the encoded protein sequence. Algorithms developed to predict the effect of missense changes on protein structure and function are either unavailable or do not agree on the potential impact of this missense change. The variant allele was found at a frequency of 3.2e-05 in 248422 control chromosomes. The available data on variant occurrences in the general population are insufficient to allow any conclusion about variant significance. To our knowledge, no occurrence of c.604C>T in individuals affected with ARHGAP9-related conditions and no experimental evidence demonstrating its impact on protein function have been reported. No submitters have cited clinical-significance assessments for this variant to ClinVar. Based on the evidence outlined above, the variant was classified as uncertain significance.